The following is an entry in ClinVar:

ClinVar aggregate classification (germline): Conflicting classifications of pathogenicity. Review status: criteria provided, conflicting classifications (1 of 4 stars). 6 submissions from 6 submitters: Uncertain significance (3); Likely benign (2). 1 of the submissions does not count toward it. Last evaluated 2024-11-25.

Conditions:
Retinal dystrophy. Also called: Inherited retinal dystrophy. Identifiers: Orphanet 71862, MedGen C0854723, MeSH D058499, MONDO:0019118, HP:0000556.
EEM syndrome (EEMS). Identifiers: Orphanet 1897, MedGen C1857041, MONDO:0009155, OMIM 225280.
Inborn genetic diseases. Identifiers: MedGen C0950123, MeSH D030342.

Allele frequency attached by ClinVar (database versions not stated): gnomAD exomes below 0.00001 and 0.00002; ExAC 0.00001; gnomAD 0.00001; TOPMed 0.00001.
gnomAD v4.1: 36 of 1,614,092 alleles (0.0022%); highest among the groups gnomAD compares: Middle Eastern, 0.48%; no homozygotes.

Submissions (6):

Blueprint Genetics
Classification: Likely benign. Last evaluated: 2024-11-25. Review status: criteria provided, single submitter. Criteria: ACMG Guidelines, 2015. Collection method: clinical testing. Allele origin: germline.

Ambry Genetics
Classification: Likely benign for Inborn genetic diseases. Last evaluated: 2023-12-21. Review status: criteria provided, single submitter. Criteria: Ambry Variant Classification Scheme 2023. Collection method: clinical testing. Allele origin: germline.

Labcorp Genetics (formerly Invitae), Labcorp
Classification: Uncertain significance. Last evaluated: 2022-08-31. Review status: criteria provided, single submitter. Criteria: Invitae Variant Classification Sherloc (09022015). Collection method: clinical testing. Allele origin: germline.
Comment: This sequence change replaces arginine, which is basic and polar, with lysine, which is basic and polar, at codon 393 of the CDH3 protein (p.Arg393Lys). This variant is present in population databases (rs766325919, gnomAD 0.0009%). This variant has not been reported in the literature in individuals affected with CDH3-related conditions. ClinVar contains an entry for this variant (Variation ID: 320235). Algorithms developed to predict the effect of missense changes on protein structure and function output the following: SIFT: "Not Available"; PolyPhen-2: "Benign"; Align-GVGD: "Not Available". The lysine amino acid residue is found in multiple mammalian species, which suggests that this missense change does not adversely affect protein function. In summary, the available evidence is currently insufficient to determine the role of this variant in disease. Therefore, it has been classified as a Variant of Uncertain Significance.

Eurofins Ntd Llc (ga)
Classification: Uncertain significance. Last evaluated: 2018-05-21. Review status: criteria provided, single submitter. Criteria: EGL ClinVar v180209 classification definitions. Collection method: clinical testing. Allele origin: germline. Observed: 2 variant alleles, 2 heterozygotes.

Illumina Laboratory Services, Illumina
Classification: Uncertain significance for EEM syndrome. Last evaluated: 2018-01-13. Review status: criteria provided, single submitter. Criteria: ICSL Variant Classification Criteria 13 December 2019. Collection method: clinical testing. Allele origin: germline.

Institute of Human Genetics, Univ. Regensburg, Univ. Regensburg
Classification: Uncertain significance for Retinal dystrophy. Last evaluated: 2023-01-01. Review status: no assertion criteria provided. Criteria: ACMG Guidelines, 2015. Collection method: clinical testing. Allele origin: germline. Affected: yes. Not counted in ClinVar's aggregate classification.

NM_001793.6(CDH3):c.1178G>A (p.Arg393Lys)

Gene: CDH3 (cadherin 3; plus strand). Cytogenetic location: 16q22.1.
Variant type: single nucleotide variant.
Coding change: c.1178G>A on transcript NM_001793.6 (MANE Select); coding-DNA position 1178, G replaced by A.
Protein change: p.Arg393Lys; replaces arginine 393 with lysine.
Molecular consequence: missense variant.
Genome position (GRCh38, 1-based): chr16:68,682,483, G>A. VCF-style: chr16-68682483-G-A. GRCh37 (hg19) VCF-style: chr16-68716386-G-A.
Other names: c.1178G>A, p.Arg393Lys (NM_001317195.3); c.1013G>A, p.Arg338Lys (NM_001317196.2); short protein forms R393K, R338K.
Identifiers: ClinVar variation 320235 (VCV000320235.14), dbSNP rs766325919, ClinGen allele CA8129268.